The following is an entry in ClinVar:

NM_001282531.3(ADNP):c.2915C>T (p.Ser972Phe)

Gene: ADNP (activity dependent neuroprotector homeobox; minus strand). Cytogenetic location: 20q13.13.
Variant type: single nucleotide variant.
Coding change: c.2915C>T on transcript NM_001282531.3 (MANE Select); coding-DNA position 2915, C replaced by T.
Protein change: p.Ser972Phe; replaces serine 972 with phenylalanine.
Molecular consequence: missense variant.
Genome position (GRCh38, 1-based): chr20:50,891,799, G>A on the plus strand (C>T on the coding strand, the complement: ADNP is on the minus strand). VCF-style: chr20-50891799-G-A. GRCh37 (hg19) VCF-style: chr20-49508336-G-A.
Other names: c.2915C>T, p.Ser972Phe (NM_001282532.2, NM_001347511.2, NM_015339.5 and 1 more transcripts); short protein forms S972F.
Identifiers: ClinVar variation 3698522 (VCV003698522.2).

ClinVar aggregate classification (germline): Uncertain significance (1 of 4 stars; one submission).

Submission:

Labcorp Genetics (formerly Invitae), Labcorp
Classification: Uncertain significance. Last evaluated: 2024-08-05. Review status: criteria provided, single submitter. Criteria: Invitae Variant Classification Sherloc (09022015). Collection method: clinical testing. Allele origin: germline.
Comment: This sequence change replaces serine, which is neutral and polar, with phenylalanine, which is neutral and non-polar, at codon 972 of the ADNP protein (p.Ser972Phe). This variant is not present in population databases (gnomAD no frequency). This variant has not been reported in the literature in individuals affected with ADNP-related conditions. An algorithm developed to predict the effect of missense changes on protein structure and function (PolyPhen-2) suggests that this variant is likely to be tolerated. In summary, the available evidence is currently insufficient to determine the role of this variant in disease. Therefore, it has been classified as a Variant of Uncertain Significance.